The following is an entry in ClinVar:

ClinVar aggregate classification (germline): Uncertain significance (1 of 4 stars; one submission).

Conditions:
Peroxisome biogenesis disorder 12A (Zellweger). Also called: Peroxisome biogenesis disorder 12A. Identifiers: Orphanet 912, MedGen C3554002, MONDO:0013951, OMIM 614886.

Allele frequency attached by ClinVar (database versions not stated): gnomAD 0.00001.
gnomAD v4.1: 1 of 1,613,712 alleles (0.000062%); highest among the groups gnomAD compares: East Asian, 0.0022%; no homozygotes.

Submission:

Labcorp Genetics (formerly Invitae), Labcorp
Classification: Uncertain significance for Peroxisome biogenesis disorder 12A (Zellweger). Last evaluated: 2022-07-25. Review status: criteria provided, single submitter. Criteria: Invitae Variant Classification Sherloc (09022015). Collection method: clinical testing. Allele origin: germline.
Comment: In summary, the available evidence is currently insufficient to determine the role of this variant in disease. Therefore, it has been classified as a Variant of Uncertain Significance. Algorithms developed to predict the effect of missense changes on protein structure and function are either unavailable or do not agree on the potential impact of this missense change (SIFT: "Tolerated"; PolyPhen-2: "Possibly Damaging"; Align-GVGD: "Class C0"). ClinVar contains an entry for this variant (Variation ID: 1494016). This variant has not been reported in the literature in individuals affected with PEX19-related conditions. This variant is present in population databases (no rsID available, gnomAD 0.06%). This sequence change replaces alanine, which is neutral and non-polar, with serine, which is neutral and polar, at codon 4 of the PEX19 protein (p.Ala4Ser).

NM_002857.4(PEX19):c.10G>T (p.Ala4Ser)

Gene: PEX19 (peroxisomal biogenesis factor 19; minus strand). Cytogenetic location: 1q23.2.
Variant type: single nucleotide variant.
Coding change: c.10G>T on transcript NM_002857.4 (MANE Select); coding-DNA position 10, G replaced by T.
Protein change: p.Ala4Ser; replaces alanine 4 with serine.
Molecular consequence: missense variant. On other transcripts: non-coding transcript variant (2).
Genome position (GRCh38, 1-based): chr1:160,285,115, C>A on the plus strand (G>T on the coding strand, the complement: PEX19 is on the minus strand). VCF-style: chr1-160285115-C-A. GRCh37 (hg19) VCF-style: chr1-160254905-C-A.
Other names: c.10G>T, p.Ala4Ser (NM_001193644.1); short protein forms A4S.
Identifiers: ClinVar variation 1494016 (VCV001494016.4), dbSNP rs1436027867, ClinGen allele CA343266197.